The following is an entry in ClinVar:

NM_000245.4(MET):c.1972G>C (p.Val658Leu)

Gene: MET (MET proto-oncogene, receptor tyrosine kinase; plus strand). Cytogenetic location: 7q31.2.
Variant type: single nucleotide variant.
Coding change: c.1972G>C on transcript NM_000245.4 (MANE Select); coding-DNA position 1972, G replaced by C.
Protein change: p.Val658Leu; replaces valine 658 with leucine.
Molecular consequence: missense variant.
Genome position (GRCh38, 1-based): chr7:116,757,644, G>C. VCF-style: chr7-116757644-G-C. GRCh37 (hg19) VCF-style: chr7-116397698-G-C.
Other names: c.1972G>C, p.Val658Leu (NM_001127500.3, NM_001324401.3); c.682G>C, p.Val228Leu (NM_001324402.2); short protein forms V228L, V658L.
Identifiers: ClinVar variation 1051943 (VCV001051943.13), dbSNP rs587778446, ClinGen allele CA368979601.

ClinVar aggregate classification (germline): Conflicting classifications of pathogenicity. Review status: criteria provided, conflicting classifications (1 of 4 stars). 2 submissions from 2 submitters: Uncertain significance (1); Likely benign (1). Last evaluated 2025-04-16.

Conditions:
Hereditary cancer-predisposing syndrome. Also called: Tumor predisposition; Hereditary neoplastic syndrome; Hereditary Cancer Syndrome; Neoplastic Syndromes, Hereditary. Identifiers: Orphanet 140162, MedGen C0027672, MeSH D009386, MONDO:0015356.
Renal cell carcinoma. Identifiers: Orphanet 217071, MedGen C0007134, MeSH D002292, MONDO:0005086, HP:0005584.

Submissions (2):

Ambry Genetics
Classification: Likely benign for Hereditary cancer-predisposing syndrome. Last evaluated: 2025-04-16. Review status: criteria provided, single submitter. Criteria: Ambry Variant Classification Scheme 2023. Collection method: clinical testing. Allele origin: germline.

Labcorp Genetics (formerly Invitae), Labcorp
Classification: Uncertain significance for Renal cell carcinoma. Last evaluated: 2022-08-29. Review status: criteria provided, single submitter. Criteria: Invitae Variant Classification Sherloc (09022015). Collection method: clinical testing. Allele origin: germline.
Comment: In summary, the available evidence is currently insufficient to determine the role of this variant in disease. Therefore, it has been classified as a Variant of Uncertain Significance. Algorithms developed to predict the effect of missense changes on protein structure and function (SIFT, PolyPhen-2, Align-GVGD) all suggest that this variant is likely to be tolerated. ClinVar contains an entry for this variant (Variation ID: 1051943). This variant has not been reported in the literature in individuals affected with MET-related conditions. This variant is not present in population databases (gnomAD no frequency). This sequence change replaces valine, which is neutral and non-polar, with leucine, which is neutral and non-polar, at codon 658 of the MET protein (p.Val658Leu).